The following is an entry in ClinVar:

ClinVar aggregate classification (germline): Uncertain significance. Review status: criteria provided, multiple submitters, no conflicts (2 of 4 stars). 2 submissions from 2 submitters: Uncertain significance (2). Last evaluated 2024-10-08.

Conditions:
Dyskeratosis congenita, autosomal dominant 2. Identifiers: MedGen C3151443, MONDO:0013521, OMIM 613989.
Idiopathic Pulmonary Fibrosis. Also called: Idiopathic fibrosing alveolitis, chronic form; idiopathic fibrosing alveolitis. Identifiers: Orphanet 2032, MedGen C1800706, MeSH D054990, MONDO:0800504.

Submissions (2):

GeneDx
Classification: Uncertain significance. Last evaluated: 2024-10-08. Review status: criteria provided, single submitter. Criteria: GeneDx Variant Classification Process June 2021. Collection method: clinical testing. Allele origin: germline. Affected: yes.
Comment: Not observed at significant frequency in large population cohorts (gnomAD); In silico analysis supports that this missense variant has a deleterious effect on protein structure/function; Has not been previously published as pathogenic or benign to our knowledge; In silico analysis is inconclusive as to whether the variant alters gene splicing. In the absence of RNA/functional studies, the actual effect of this sequence change is unknown.

Labcorp Genetics (formerly Invitae), Labcorp
Classification: Uncertain significance for Dyskeratosis congenita, autosomal dominant 2; Idiopathic Pulmonary Fibrosis. Last evaluated: 2024-09-23. Review status: criteria provided, single submitter. Criteria: Invitae Variant Classification Sherloc (09022015). Collection method: clinical testing. Allele origin: germline.
Comment: This sequence change replaces glutamine, which is neutral and polar, with arginine, which is basic and polar, at codon 794 of the TERT protein (p.Gln794Arg). This variant is not present in population databases (gnomAD no frequency). This variant has not been reported in the literature in individuals affected with TERT-related conditions. ClinVar contains an entry for this variant (Variation ID: 842692). An algorithm developed to predict the effect of missense changes on protein structure and function (PolyPhen-2) suggests that this variant is likely to be disruptive. Algorithms developed to predict the effect of sequence changes on RNA splicing suggest that this variant may disrupt the consensus splice site. In summary, the available evidence is currently insufficient to determine the role of this variant in disease. Therefore, it has been classified as a Variant of Uncertain Significance.

NM_198253.3(TERT):c.2381A>G (p.Gln794Arg)

Gene: TERT (telomerase reverse transcriptase; minus strand). Cytogenetic location: 5p15.33.
Variant type: single nucleotide variant.
Coding change: c.2381A>G on transcript NM_198253.3 (MANE Select); coding-DNA position 2381, A replaced by G.
Protein change: p.Gln794Arg; replaces glutamine 794 with arginine.
Molecular consequence: missense variant.
Genome position (GRCh38, 1-based): chr5:1,272,186, T>C on the plus strand (A>G on the coding strand, the complement: TERT is on the minus strand). VCF-style: chr5-1272186-T-C. GRCh37 (hg19) VCF-style: chr5-1272301-T-C.
Other names: c.2381A>G, p.Gln794Arg (NM_001193376.3); short protein forms Q794R.
Identifiers: ClinVar variation 842692 (VCV000842692.11), dbSNP rs1749089732, ClinGen allele CA359076183.